The following is an entry in ClinVar:

ClinVar aggregate classification (germline): Uncertain significance (1 of 4 stars; one submission).

Conditions:
Hereditary breast ovarian cancer syndrome. Also called: Hereditary breast and ovarian cancer syndrome (HBOC); Hereditary breast and ovarian cancer syndrome; Breast and ovarian cancer; Hereditary breast and/or ovarian cancer syndrome; Hereditary breast and ovarian cancer; BRCA1- and BRCA2-Associated Hereditary Breast and Ovarian Cancer. Identifiers: Orphanet 145, MedGen C0677776, MeSH D061325, MONDO:0003582. Disease mechanism: loss of function.

Submission:

Labcorp Genetics (formerly Invitae), Labcorp
Classification: Uncertain significance for Hereditary breast ovarian cancer syndrome. Last evaluated: 2022-07-26. Review status: criteria provided, single submitter. Criteria: Invitae Variant Classification Sherloc (09022015). Collection method: clinical testing. Allele origin: germline.
Comment: This variant has not been reported in the literature in individuals affected with BRCA2-related conditions. This variant is not present in population databases (gnomAD no frequency). This sequence change falls in intron 17 of the BRCA2 gene. It does not directly change the encoded amino acid sequence of the BRCA2 protein. It affects a nucleotide within the consensus splice site. ClinVar contains an entry for this variant (Variation ID: 462462). Variants that disrupt the consensus splice site are a relatively common cause of aberrant splicing (PMID: 17576681, 9536098). Algorithms developed to predict the effect of sequence changes on RNA splicing suggest that this variant may disrupt the consensus splice site. In summary, the available evidence is currently insufficient to determine the role of this variant in disease. Therefore, it has been classified as a Variant of Uncertain Significance.

Literature cited by the submitters: PubMed 17576681; PubMed 9536098.

NM_000059.4(BRCA2):c.7976+4A>C

Gene: BRCA2 (BRCA2 DNA repair associated; plus strand). Cytogenetic location: 13q13.1.
Variant type: single nucleotide variant.
Coding change: c.7976+4A>C on transcript NM_000059.4 (MANE Select); 4 bases into the intron after coding-DNA position 7976, A replaced by C.
Molecular consequence: intron variant.
Genome position (GRCh38, 1-based): chr13:32,362,697, A>C. VCF-style: chr13-32362697-A-C. GRCh37 (hg19) VCF-style: chr13-32936834-A-C.
Identifiers: ClinVar variation 462462 (VCV000462462.7), dbSNP rs876659445, ClinGen allele CA658656487.
Genomic context (GRCh38, chr13:32,362,697, plus strand): 5'-GGAATTTGCTAATAGATGCCTAAGCCCAGAAAGGGTGCTTCTTCAACTAAAATACAGGCA[A>C]GTTTAAAGCATTACATTACGTAATCATATACGGCAGTATGGTTAAGGTTTCTGTGTAGTC-3'